The following is an entry in ClinVar:

NM_030662.4(MAP2K2):c.455G>A (p.Gly152Asp)

Gene: MAP2K2 (mitogen-activated protein kinase kinase 2; minus strand). Cytogenetic location: 19p13.3.
Variant type: single nucleotide variant.
Coding change: c.455G>A on transcript NM_030662.4 (MANE Select); coding-DNA position 455, G replaced by A.
Protein change: p.Gly152Asp; replaces glycine 152 with aspartic acid.
Molecular consequence: missense variant.
Genome position (GRCh38, 1-based): chr19:4,102,449, C>T on the plus strand (G>A on the coding strand, the complement: MAP2K2 is on the minus strand). VCF-style: chr19-4102449-C-T. GRCh37 (hg19) VCF-style: chr19-4102447-C-T.
Other names: short protein forms G152D.
Identifiers: ClinVar variation 2502097 (VCV002502097.2), dbSNP rs2145057843, ClinGen allele CA403390195.

ClinVar aggregate classification (germline): Uncertain significance. Review status: criteria provided, multiple submitters, no conflicts (2 of 4 stars). 2 submissions from 2 submitters: Uncertain significance (2). Last evaluated 2026-01-09.

Conditions:
Cardiovascular phenotype. Identifiers: MedGen CN230736.

Submissions (2):

Ambry Genetics
Classification: Uncertain significance for Cardiovascular phenotype. Last evaluated: 2026-01-09. Review status: criteria provided, single submitter. Criteria: Ambry Variant Classification Scheme 2023. Collection method: clinical testing. Allele origin: germline.

GeneDx
Classification: Uncertain significance. Last evaluated: 2022-11-15. Review status: criteria provided, single submitter. Criteria: GeneDx Variant Classification Process June 2021. Collection method: clinical testing. Allele origin: germline. Affected: yes.
Comment: Not observed at significant frequency in large population cohorts (gnomAD); Missense variants in this gene are often considered pathogenic (HGMD); In silico analysis supports that this missense variant has a deleterious effect on protein structure/function; Has not been previously published as pathogenic or benign to our knowledge